The following is an entry in ClinVar:

ClinVar aggregate classification (germline): Conflicting classifications of pathogenicity. Review status: criteria provided, conflicting classifications (1 of 4 stars). 4 submissions from 4 submitters: Uncertain significance (1); Benign (2). 1 of the submissions does not count toward it. Last evaluated 2026-01-14.

Conditions:
VDR-related disorder. Also called: VDR-related condition.
Vitamin D-dependent rickets type II with alopecia (VDDR2A). Also called: Vitamin D-dependent rickets, type 2A; GENERALIZED RESISTANCE TO 1,25-DIHYDROXYVITAMIN D; HYPOCALCEMIC VITAMIN D-RESISTANT RICKETS; PDDR IIA; PSEUDOVITAMIN D-DEFICIENCY, TYPE IIA; RICKETS, HEREDITARY VITAMIN D-RESISTANT. Identifiers: Orphanet 93160, MedGen C0342646, MONDO:0010186, OMIM 277440.

Allele frequency attached by ClinVar (database versions not stated): ExAC 0.00034; 1000 Genomes Project 30x 0.00078; ESP Exome Variant Server 0.00092; 1000 Genomes Project 0.00100; gnomAD 0.00106; TOPMed 0.00108.
gnomAD v4.1: 348 of 1,613,932 alleles (0.022%); highest among the groups gnomAD compares: African/African-American, 0.4%; 1 homozygote.

Submissions (4):

Labcorp Genetics (formerly Invitae), Labcorp
Classification: Benign. Last evaluated: 2026-01-14. Review status: criteria provided, single submitter. Criteria: Invitae Variant Classification Sherloc (09022015). Collection method: clinical testing. Allele origin: germline.

Women's Health and Genetics/Laboratory Corporation of America, LabCorp
Classification: Benign. Last evaluated: 2025-01-24. Review status: criteria provided, single submitter. Criteria: LabCorp Variant Classification Summary - May 2015. Collection method: clinical testing. Allele origin: germline.
Comment: Variant summary: VDR c.1073G>A (p.Arg358His) results in a non-conservative amino acid change in the encoded protein sequence. Three of five in-silico tools predict a damaging effect of the variant on protein function. The variant allele was found at a frequency of 0.0003 in 251270 control chromosomes, predominantly at a frequency of 0.0037 within the African or African-American subpopulation in the gnomAD database, including 1 homozygotes. The observed variant frequency within African or African-American control individuals in the gnomAD database exceeds the estimated maximal expected allele frequency for a pathogenic variant in VDR causing Vitamin D-Dependent Rickets Type II With Alopecia phenotype. To our knowledge, no occurrence of c.1073G>A in individuals affected with Vitamin D-Dependent Rickets Type II With Alopecia and no experimental evidence demonstrating its impact on protein function have been reported. ClinVar contains an entry for this variant (Variation ID: 727362). Based on the evidence outlined above, the variant was classified as benign.

Illumina Laboratory Services, Illumina
Classification: Uncertain significance for Vitamin D-dependent rickets type II with alopecia. Last evaluated: 2017-04-28. Review status: criteria provided, single submitter. Criteria: ICSL Variant Classification Criteria 13 December 2019. Collection method: clinical testing. Allele origin: germline.

PreventionGenetics, part of Exact Sciences
Classification: Likely benign for VDR-related condition. Last evaluated: 2022-05-11. Review status: no assertion criteria provided. Collection method: clinical testing. Allele origin: germline. Not counted in ClinVar's aggregate classification.
Comment: This variant is classified as likely benign based on ACMG/AMP sequence variant interpretation guidelines (Richards et al. 2015 PMID: 25741868, with internal and published modifications).

NM_000376.3(VDR):c.1073G>A (p.Arg358His)

Gene: VDR (vitamin D receptor; minus strand). Cytogenetic location: 12q13.11.
Variant type: single nucleotide variant.
Coding change: c.1073G>A on transcript NM_000376.3 (MANE Select); coding-DNA position 1073, G replaced by A.
Protein change: p.Arg358His; replaces arginine 358 with histidine.
Molecular consequence: missense variant.
Genome position (GRCh38, 1-based): chr12:47,844,957, C>T on the plus strand (G>A on the coding strand, the complement: VDR is on the minus strand). VCF-style: chr12-47844957-C-T. GRCh37 (hg19) VCF-style: chr12-48238740-C-T.
Other names: c.1073G>A, p.Arg358His (NM_001017535.2, NM_001364085.2, NM_001374661.1 and 1 more transcripts); c.1223G>A, p.Arg408His (NM_001017536.2); short protein forms R408H, R358H.
Identifiers: ClinVar variation 727362 (VCV000727362.18), dbSNP rs114678556, ClinGen allele CA6533758.